The following is an entry in ClinVar:

ClinVar aggregate classification (germline): Likely benign (1 of 4 stars; one submission).

Submission:

CeGaT Center for Human Genetics Tuebingen
Classification: Likely benign. Last evaluated: 2026-08-01. Review status: criteria provided, single submitter. Criteria: CeGaT Center For Human Genetics Tuebingen Variant Classification Criteria Version 2. Collection method: clinical testing. Allele origin: germline. Affected: yes. Observed: 1 variant allele.
Comment: MLLT3: BP4, BP7

NM_004529.4(MLLT3):c.465C>T (p.Ser155=)

Gene: MLLT3 (MLLT3 super elongation complex subunit; minus strand). Cytogenetic location: 9p21.3.
Variant type: single nucleotide variant.
Coding change: c.465C>T on transcript NM_004529.4 (MANE Select); coding-DNA position 465, C replaced by T.
Protein change: p.Ser155=; no amino-acid change (serine 155 retained).
Molecular consequence: synonymous variant.
Genome position (GRCh38, 1-based): chr9:20,414,381, G>A on the plus strand (C>T on the coding strand, the complement: MLLT3 is on the minus strand). VCF-style: chr9-20414381-G-A. GRCh37 (hg19) VCF-style: chr9-20414379-G-A.
Other names: c.456C>T, p.Ser152= (NM_001286691.2).
Identifiers: ClinVar variation 5038523 (VCV005038523.1).